The following is an entry in ClinVar:

NM_017999.5(RNF31):c.794C>A (p.Thr265Asn)

Gene: RNF31 (ring finger protein 31; plus strand). Cytogenetic location: 14q12.
Variant type: single nucleotide variant.
Coding change: c.794C>A on transcript NM_017999.5 (MANE Select); coding-DNA position 794, C replaced by A.
Protein change: p.Thr265Asn; replaces threonine 265 with asparagine.
Molecular consequence: missense variant.
Genome position (GRCh38, 1-based): chr14:24,149,568, C>A. VCF-style: chr14-24149568-C-A. GRCh37 (hg19) VCF-style: chr14-24618777-C-A.
Other names: c.794C>A (NM_017999.4); c.341C>A, p.Thr114Asn (NM_001310332.2); short protein forms T114N, T265N.
Identifiers: ClinVar variation 1357671 (VCV001357671.10), dbSNP rs746753298, ClinGen allele CA7125622.

ClinVar aggregate classification (germline): Uncertain significance. Review status: criteria provided, multiple submitters, no conflicts (2 of 4 stars). 2 submissions from 2 submitters: Uncertain significance (2). Last evaluated 2025-12-03.

Allele frequency attached by ClinVar (database versions not stated): gnomAD 0.00003; TOPMed 0.00005.
gnomAD v4.1: 31 of 1,613,170 alleles (0.0019%); highest among the groups gnomAD compares: Admixed American, 0.052%; no homozygotes.

Submissions (2):

Labcorp Genetics (formerly Invitae), Labcorp
Classification: Uncertain significance. Last evaluated: 2025-12-03. Review status: criteria provided, single submitter. Criteria: Invitae Variant Classification Sherloc (09022015). Collection method: clinical testing. Allele origin: germline.
Comment: This sequence change replaces threonine, which is neutral and polar, with asparagine, which is neutral and polar, at codon 265 of the RNF31 protein (p.Thr265Asn). This variant is present in population databases (rs746753298, gnomAD 0.06%), and has an allele count higher than expected for a pathogenic variant. This variant has not been reported in the literature in individuals affected with RNF31-related conditions. ClinVar contains an entry for this variant (Variation ID: 1357671). An algorithm developed to predict the effect of missense changes on protein structure and function (PolyPhen-2) suggests that this variant is likely to be tolerated. In summary, the available evidence is currently insufficient to determine the role of this variant in disease. Therefore, it has been classified as a Variant of Uncertain Significance.

Ambry Genetics
Classification: Uncertain significance. Last evaluated: 2025-04-20. Review status: criteria provided, single submitter. Criteria: Ambry Variant Classification Scheme 2023. Collection method: clinical testing. Allele origin: germline.